The following is an entry in ClinVar:

NM_000083.3(CLCN1):c.360del (p.Leu121fs)

Gene: CLCN1 (chloride voltage-gated channel 1; plus strand). Cytogenetic location: 7q34.
Variant type: Deletion.
Coding change: c.360del on transcript NM_000083.3 (MANE Select); coding-DNA position 360, one base deleted (T; older notation c.360delT).
Protein change: p.Leu121fs; shifts the reading frame from leucine 121.
Molecular consequence: frameshift variant. On other transcripts: non-coding transcript variant (1).
Genome position (GRCh38, 1-based): chr7:143,320,722, T deleted; the last of 3 consecutive T bases (chr7:143,320,720-143,320,722); deleting any one gives the same sequence. VCF-style (leftmost placement, unchanged base first): chr7-143320719-CT-C. GRCh37 (hg19) VCF-style: chr7-143017812-CT-C.
Other names: short protein forms L121fs.
Identifiers: ClinVar variation 1070234 (VCV001070234.8), dbSNP rs2116836321, ClinGen allele CA2499218766.

ClinVar aggregate classification (germline): Pathogenic. Review status: criteria provided, multiple submitters, no conflicts (2 of 4 stars). 2 submissions from 2 submitters: Pathogenic (2). Last evaluated 2024-09-16.

Conditions:
Congenital myotonia, autosomal dominant form (THD). Also called: THOMSEN DISEASE; Myotonia congenita autosomal dominant. Identifiers: Orphanet 614, MedGen C2936781, MONDO:0008055, OMIM 160800.
Congenital myotonia, autosomal recessive form. Also called: Becker Generalized Myotonia; myotonia congenita, autosomal recessive; BECKER DISEASE. Identifiers: Orphanet 614, MedGen C0751360, MONDO:0009715, OMIM 255700.

Submissions (2):

Dasa
Classification: Pathogenic. Last evaluated: 2024-09-16. Review status: criteria provided, single submitter. Criteria: DASA Assertion Criteria. Collection method: clinical testing. Allele origin: germline.
Comment: NM_000083.3(CLCN1):c.360del (p.Leu121Trpfs*7) introduces a premature termination codon predicted to result in loss of normal protein function. Loss-of-function is an established mechanism of disease for this gene. Based on the available data, this variant is classified as pathogenic.

Labcorp Genetics (formerly Invitae), Labcorp
Classification: Pathogenic for Congenital myotonia, autosomal recessive form; Congenital myotonia, autosomal dominant form. Last evaluated: 2023-08-25. Review status: criteria provided, single submitter. Criteria: Invitae Variant Classification Sherloc (09022015). Collection method: clinical testing. Allele origin: germline.
Comment: For these reasons, this variant has been classified as Pathogenic. ClinVar contains an entry for this variant (Variation ID: 1070234). This variant has not been reported in the literature in individuals affected with CLCN1-related conditions. This variant is not present in population databases (gnomAD no frequency). This sequence change creates a premature translational stop signal (p.Leu121Trpfs*7) in the CLCN1 gene. It is expected to result in an absent or disrupted protein product. Loss-of-function variants in CLCN1 are known to be pathogenic (PMID: 17932099, 22094069, 23739125).

Literature cited by the submitters: PubMed 17932099 (cited by Labcorp Genetics (formerly Invitae), Labcorp); PubMed 22094069 (cited by Labcorp Genetics (formerly Invitae), Labcorp); PubMed 23739125 (cited by Labcorp Genetics (formerly Invitae), Labcorp).